The following is an entry in ClinVar:

ClinVar aggregate classification (germline): Benign/Likely benign. Review status: criteria provided, multiple submitters, no conflicts (2 of 4 stars). 4 submissions from 4 submitters: Benign (2); Likely benign (1). 1 of the submissions does not count toward it. Last evaluated 2025-11-10.

Conditions:
PIK3R2-related disorder. Also called: PIK3R2-related condition.
Megalencephaly-polymicrogyria-postaxial polydactyly-hydrocephalus syndrome. Also called: MEG-PMG-MEGACC SYNDROME; MPPH Syndrome. Identifiers: Orphanet 83473, MedGen C1863924, MONDO:0019375.

Allele frequency attached by ClinVar (database versions not stated): gnomAD exomes 0.00018; ExAC 0.00019; gnomAD 0.00052; TOPMed 0.00059; ESP Exome Variant Server 0.00062; 1000 Genomes Project 30x 0.00094; 1000 Genomes Project 0.00120.
gnomAD v4.1: 202 of 1,613,968 alleles (0.013%); highest among the groups gnomAD compares: African/African-American, 0.18%; no homozygotes.

Submissions (4):

Labcorp Genetics (formerly Invitae), Labcorp
Classification: Benign for Megalencephaly-polymicrogyria-postaxial polydactyly-hydrocephalus syndrome. Last evaluated: 2025-11-10. Review status: criteria provided, single submitter. Criteria: Invitae Variant Classification Sherloc (09022015). Collection method: clinical testing. Allele origin: germline.

Blueprint Genetics
Classification: Likely benign. Last evaluated: 2024-10-08. Review status: criteria provided, single submitter. Criteria: ACMG Guidelines, 2015. Collection method: clinical testing. Allele origin: germline.

GeneDx
Classification: Benign. Last evaluated: 2020-02-12. Review status: criteria provided, single submitter. Criteria: GeneDx Variant Classification Process June 2021. Collection method: clinical testing. Allele origin: germline. Affected: yes.

PreventionGenetics, part of Exact Sciences
Classification: Likely benign for PIK3R2-related condition. Last evaluated: 2019-03-11. Review status: no assertion criteria provided. Collection method: clinical testing. Allele origin: germline. Not counted in ClinVar's aggregate classification.
Comment: This variant is classified as likely benign based on ACMG/AMP sequence variant interpretation guidelines (Richards et al. 2015 PMID: 25741868, with internal and published modifications).

NM_005027.4(PIK3R2):c.843G>A (p.Ala281=)

Gene: PIK3R2 (phosphoinositide-3-kinase regulatory subunit 2; plus strand). Cytogenetic location: 19p13.11.
Variant type: single nucleotide variant.
Coding change: c.843G>A on transcript NM_005027.4 (MANE Select); coding-DNA position 843, G replaced by A.
Protein change: p.Ala281=; no amino-acid change (alanine 281 retained).
Molecular consequence: synonymous variant. On other transcripts: non-coding transcript variant (2).
Genome position (GRCh38, 1-based): chr19:18,161,993, G>A. VCF-style: chr19-18161993-G-A. GRCh37 (hg19) VCF-style: chr19-18272803-G-A.
Identifiers: ClinVar variation 787854 (VCV000787854.11), dbSNP rs140686003, ClinGen allele CA9306823.
Genomic context (GRCh38, chr19:18,161,993, plus strand): 5'-CCCAGCCCTCACCACACTCCCCTTCCCCCTAAGGAGTGAGCCCAGCCCTGACTTCCCGGC[G>A]CTGCTGGTGGAGAAGCTGCTTCAGGAACACTTGGAAGAGCAGGAGGTTGCGCCCCCAGGT-3'
Protein context (NP_005018.2, residues 271-291): DGSEPSPDFP[Ala281=]LLVEKLLQEH